The following is an entry in ClinVar:

NM_015355.4(SUZ12):c.2105C>T (p.Thr702Ile)

Gene: SUZ12 (SUZ12 polycomb repressive complex 2 subunit; plus strand). Cytogenetic location: 17q11.2.
Variant type: single nucleotide variant.
Coding change: c.2105C>T on transcript NM_015355.4 (MANE Select); coding-DNA position 2105, C replaced by T.
Protein change: p.Thr702Ile; replaces threonine 702 with isoleucine.
Molecular consequence: missense variant.
Genome position (GRCh38, 1-based): chr17:31,998,888, C>T. VCF-style: chr17-31998888-C-T. GRCh37 (hg19) VCF-style: chr17-30325907-C-T.
Other names: c.2036C>T, p.Thr679Ile (NM_001321207.2); short protein forms T679I, T702I.
Identifiers: ClinVar variation 5041072 (VCV005041072.1).
Genomic context (GRCh38, chr17:31,998,888, plus strand): 5'-GTGAAATGCAGCAAAAATTAGAAAAGGGGGAATCTGCTTCCCCTGCAAACGAAGAAATAA[C>T]TGAAGAACAAAATGGGACAGCAAATGGATTTAGTGAAATTAACTCAAAAGAGAAAGCTTT-3'
Protein context (NP_056170.2, residues 692-712): ESASPANEEI[Thr702Ile]EEQNGTANGF

ClinVar aggregate classification (germline): Likely benign (1 of 4 stars; one submission).

gnomAD v4.1: 7 of 1,613,270 alleles (0.00043%); highest among the groups gnomAD compares: Admixed American, 0.0033%; no homozygotes.

Submission:

CeGaT Center for Human Genetics Tuebingen
Classification: Likely benign. Last evaluated: 2026-09-01. Review status: criteria provided, single submitter. Criteria: CeGaT Center For Human Genetics Tuebingen Variant Classification Criteria Version 2. Collection method: clinical testing. Allele origin: germline. Affected: yes. Observed: 1 variant allele.
Comment: SUZ12: BP4